The following is an entry in ClinVar:

NM_000535.7(PMS2):c.2173G>C (p.Ala725Pro)

Gene: PMS2 (PMS1 homolog 2, mismatch repair system component; minus strand). Cytogenetic location: 7p22.1.
Variant type: single nucleotide variant.
Coding change: c.2173G>C on transcript NM_000535.7 (MANE Select); coding-DNA position 2173, G replaced by C.
Protein change: p.Ala725Pro; replaces alanine 725 with proline.
Molecular consequence: missense variant. On other transcripts: non-coding transcript variant (1).
Genome position (GRCh38, 1-based): chr7:5,982,825, C>G on the plus strand (G>C on the coding strand, the complement: PMS2 is on the minus strand). VCF-style: chr7-5982825-C-G. GRCh37 (hg19) VCF-style: chr7-6022456-C-G.
Other names: c.2173G>C (NM_000535.5); c.1768G>C, p.Ala590Pro (NM_001322003.2, NM_001322004.2, NM_001322005.2 and 1 more transcripts); c.2017G>C, p.Ala673Pro (NM_001322006.2); c.1855G>C, p.Ala619Pro (NM_001322007.2, NM_001322008.2); c.1612G>C, p.Ala538Pro (NM_001322010.2); c.1240G>C, p.Ala414Pro (NM_001322011.2, NM_001322012.2); c.1600G>C, p.Ala534Pro (NM_001322013.2); c.2173G>C, p.Ala725Pro (NM_001322014.2); and 1 more; short protein forms A414P, A538P, A619P, A534P, A590P, A622P, A673P, A725P.
Identifiers: ClinVar variation 1386995 (VCV001386995.9), dbSNP rs1303835934, ClinGen allele CA366737838.

ClinVar aggregate classification (germline): Uncertain significance. Review status: criteria provided, multiple submitters, no conflicts (2 of 4 stars). 2 submissions from 2 submitters: Uncertain significance (2). Last evaluated 2024-09-08.

Conditions:
Hereditary nonpolyposis colorectal neoplasms. Identifiers: MedGen C0009405, MeSH D003123.
Hereditary cancer-predisposing syndrome. Also called: Neoplastic Syndromes, Hereditary; Tumor predisposition; Hereditary neoplastic syndrome; Hereditary Cancer Syndrome. Identifiers: Orphanet 140162, MedGen C0027672, MeSH D009386, MONDO:0015356.

Submissions (2):

Ambry Genetics
Classification: Uncertain significance for Hereditary cancer-predisposing syndrome. Last evaluated: 2024-09-08. Review status: criteria provided, single submitter. Criteria: Ambry Variant Classification Scheme 2023. Collection method: clinical testing. Allele origin: germline.
Comment: The p.A725P variant (also known as c.2173G>C), located in coding exon 12 of the PMS2 gene, results from a G to C substitution at nucleotide position 2173. The alanine at codon 725 is replaced by proline, an amino acid with highly similar properties. This amino acid position is conserved. In addition, this alteration is predicted to be tolerated by in silico analysis. Based on the available evidence, the clinical significance of this variant remains unclear.

Labcorp Genetics (formerly Invitae), Labcorp
Classification: Uncertain significance for Hereditary nonpolyposis colorectal neoplasms. Last evaluated: 2021-04-04. Review status: criteria provided, single submitter. Criteria: Invitae Variant Classification Sherloc (09022015). Collection method: clinical testing. Allele origin: germline.
Comment: In summary, the available evidence is currently insufficient to determine the role of this variant in disease. Therefore, it has been classified as a Variant of Uncertain Significance. Algorithms developed to predict the effect of missense changes on protein structure and function are either unavailable or do not agree on the potential impact of this missense change (SIFT: "Tolerated"; PolyPhen-2: "Possibly Damaging"; Align-GVGD: "Class C0"). This variant has not been reported in the literature in individuals with PMS2-related conditions. The frequency data for this variant in the population databases (ExAC) is considered unreliable due to the presence of homologous sequence, such as pseudogenes or paralogs, in the genome. This sequence change replaces alanine with proline at codon 725 of the PMS2 protein (p.Ala725Pro). The alanine residue is weakly conserved and there is a small physicochemical difference between alanine and proline.